The following is an entry in ClinVar:

ClinVar aggregate classification (germline): Uncertain significance (1 of 4 stars; one submission).

Submission:

Labcorp Genetics (formerly Invitae), Labcorp
Classification: Uncertain significance. Last evaluated: 2025-09-03. Review status: criteria provided, single submitter. Criteria: Invitae Variant Classification Sherloc (09022015). Collection method: clinical testing. Allele origin: germline.
Comment: This sequence change falls in intron 26 of the ABCC8 gene. It does not directly change the encoded amino acid sequence of the ABCC8 protein. It affects a nucleotide within the consensus splice site. This variant is not present in population databases (gnomAD no frequency). This variant has not been reported in the literature in individuals affected with ABCC8-related conditions. Variants that disrupt the consensus splice site are a relatively common cause of aberrant splicing (PMID: 17576681, 9536098). Algorithms developed to predict the effect of sequence changes on RNA splicing suggest that this variant is not likely to affect RNA splicing. In summary, the available evidence is currently insufficient to determine the role of this variant in disease. Therefore, it has been classified as a Variant of Uncertain Significance.

Literature cited by the submitters: PubMed 17576681; PubMed 9536098.

NM_000352.6(ABCC8):c.3329+5C>G

Gene: ABCC8 (ATP binding cassette subfamily C member 8; minus strand). Cytogenetic location: 11p15.1.
Variant type: single nucleotide variant.
Coding change: c.3329+5C>G on transcript NM_000352.6 (MANE Select); 5 bases into the intron after coding-DNA position 3329, C replaced by G.
Molecular consequence: intron variant.
Genome position (GRCh38, 1-based): chr11:17,406,617, G>C on the plus strand (C>G on the coding strand, the complement: ABCC8 is on the minus strand). VCF-style: chr11-17406617-G-C. GRCh37 (hg19) VCF-style: chr11-17428164-G-C.
Other names: c.3326+5C>G (NM_001351297.2); c.3329+5C>G (NM_001351296.2); c.3395+5C>G (NM_001351295.2); c.3332+5C>G (NM_001287174.3).
Identifiers: ClinVar variation 4724116 (VCV004724116.1).
Genomic context (GRCh38, chr11:17,406,617, plus strand): 5'-GAAGACTAAGGCTCAGAGAACAGTGACTTGCTCACAGTCCCAGCCTGGCCAGGGGAGACG[G>C]GTACCTCATGGGGGCTAGGATGATCCGGTTTAGCAGGCTGCGGTGCAGTCTCTTGGCCAC-3'